The following is an entry in ClinVar:

NM_005310.5(GRB7):c.1536C>T (p.His512=)

Gene: GRB7 (growth factor receptor bound protein 7; plus strand). Cytogenetic location: 17q12.
Variant type: single nucleotide variant.
Coding change: c.1536C>T on transcript NM_005310.5 (MANE Select); coding-DNA position 1536, C replaced by T.
Protein change: p.His512=; no amino-acid change (histidine 512 retained).
Molecular consequence: synonymous variant. On other transcripts: 3 prime UTR variant (1).
Genome position (GRCh38, 1-based): chr17:39,746,834, C>T. VCF-style: chr17-39746834-C-T. GRCh37 (hg19) VCF-style: chr17-37903087-C-T.
Other names: c.1536C>T, p.His512= (NM_001030002.3, NM_001242443.2); c.1605C>T, p.His535= (NM_001242442.2); c.*104C>T (NM_001330207.2).
Identifiers: ClinVar variation 2647725 (VCV002647725.24), dbSNP rs112084267, ClinGen allele CA8535373.
Genomic context (GRCh38, chr17:39,746,834, plus strand): 5'-CTTCAGCATGGATGATGGCCAGACCCGCTTCACTGACCTGCTGCAGCTCGTGGAGTTCCA[C>T]CAGCTGAACCGCGGCATCCTGCCGTGCTTGCTGCGCCATTGCTGCACGCGGGTGGCCCTC-3'
Protein context (NP_005301.2, residues 502-522): FTDLLQLVEF[His512=]QLNRGILPCL

ClinVar aggregate classification (germline): Likely benign (1 of 4 stars; one submission).

Allele frequency attached by ClinVar (database versions not stated): ESP Exome Variant Server 0.00161; TOPMed 0.00185; 1000 Genomes Project 0.00200; 1000 Genomes Project 30x 0.00250; gnomAD 0.00257; ExAC 0.00293.
gnomAD v4.1: 4,161 of 1,613,736 alleles (0.26%); highest among the groups gnomAD compares: South Asian, 0.49%; 15 homozygotes.

Submission:

CeGaT Center for Human Genetics Tuebingen
Classification: Likely benign. Last evaluated: 2022-12-01. Review status: criteria provided, single submitter. Criteria: CeGaT Center For Human Genetics Tuebingen Variant Classification Criteria Version 2. Collection method: clinical testing. Allele origin: germline. Affected: yes. Observed: 1 variant allele.
Comment: GRB7: BP4, BP7, BS2